The following is an entry in ClinVar:

NM_001128840.3(CACNA1D):c.4559A>G (p.Lys1520Arg)

Gene: CACNA1D (calcium voltage-gated channel subunit alpha1 D; plus strand). Cytogenetic location: 3p21.1.
Variant type: single nucleotide variant.
Coding change: c.4559A>G on transcript NM_001128840.3 (MANE Select); coding-DNA position 4559, A replaced by G.
Protein change: p.Lys1520Arg; replaces lysine 1520 with arginine.
Molecular consequence: missense variant.
Genome position (GRCh38, 1-based): chr3:53,776,928, A>G. VCF-style: chr3-53776928-A-G. GRCh37 (hg19) VCF-style: chr3-53810955-A-G.
Other names: c.4619A>G, p.Lys1540Arg (NM_000720.4); c.4514A>G, p.Lys1505Arg (NM_001128839.3); short protein forms K1505R, K1520R, K1540R.
Identifiers: ClinVar variation 1303758 (VCV001303758.2), dbSNP rs2109040708, ClinGen allele CA353243927.

ClinVar aggregate classification (germline): Uncertain significance (1 of 4 stars; one submission).

Submission:

GeneDx
Classification: Uncertain significance. Last evaluated: 2019-07-15. Review status: criteria provided, single submitter. Criteria: GeneDx Variant Classification Process June 2021. Collection method: clinical testing. Allele origin: germline. Affected: yes.
Comment: Not observed in large population cohorts (Lek et al., 2016); Has not been previously published as pathogenic or benign to our knowledge